The following is an entry in ClinVar:

ClinVar aggregate classification (germline): Uncertain significance (1 of 4 stars; one submission).

Conditions:
Gastrointestinal stromal tumor. Also called: Gastrointestinal stroma tumor; Gastrointestinal stromal tumor, somatic. Identifiers: Orphanet 44890, MedGen C0238198, MeSH D046152, MONDO:0011719, OMIM 606764, HP:0100723.

gnomAD v4.1: 1 of 1,614,018 alleles (0.000062%); highest among the groups gnomAD compares: Non-Finnish European, 0.000085%; no homozygotes.

Submission:

Labcorp Genetics (formerly Invitae), Labcorp
Classification: Uncertain significance for Gastrointestinal stromal tumor. Last evaluated: 2021-12-25. Review status: criteria provided, single submitter. Criteria: Invitae Variant Classification Sherloc (09022015). Collection method: clinical testing. Allele origin: germline.
Comment: This variant is not present in population databases (gnomAD no frequency). This variant has not been reported in the literature in individuals affected with KIT-related conditions. Algorithms developed to predict the effect of missense changes on protein structure and function (SIFT, PolyPhen-2, Align-GVGD) all suggest that this variant is likely to be disruptive. In summary, the available evidence is currently insufficient to determine the role of this variant in disease. Therefore, it has been classified as a Variant of Uncertain Significance. This sequence change replaces aspartic acid, which is acidic and polar, with glutamic acid, which is acidic and polar, at codon 572 of the KIT protein (p.Asp572Glu).

NM_000222.3(KIT):c.1716C>A (p.Asp572Glu)

Gene: KIT (KIT proto-oncogene, receptor tyrosine kinase; plus strand). Cytogenetic location: 4q12.
Variant type: single nucleotide variant.
Coding change: c.1716C>A on transcript NM_000222.3 (MANE Select); coding-DNA position 1716, C replaced by A.
Protein change: p.Asp572Glu; replaces aspartic acid 572 with glutamic acid.
Molecular consequence: missense variant.
Genome position (GRCh38, 1-based): chr4:54,727,484, C>A. VCF-style: chr4-54727484-C-A. GRCh37 (hg19) VCF-style: chr4-55593650-C-A.
Other names: c.1704C>A, p.Asp568Glu (NM_001093772.2, NM_001385286.1); c.1719C>A, p.Asp573Glu (NM_001385284.1, NM_001385290.1); c.1716C>A, p.Asp572Glu (NM_001385285.1); c.1707C>A, p.Asp569Glu (NM_001385288.1, NM_001385292.1); short protein forms D568E, D569E, D572E, D573E.
Identifiers: ClinVar variation 2059431 (VCV002059431.4), dbSNP rs2109776822, ClinGen allele CA356907553.